The following is an entry in ClinVar:

NM_001374828.1(ARID1B):c.2247+1G>T

Gene: ARID1B (AT-rich interaction domain 1B; plus strand). Cytogenetic location: 6q25.3.
Variant type: single nucleotide variant.
Coding change: c.2247+1G>T on transcript NM_001374828.1 (MANE Select); the canonical splice donor site of the intron after coding-DNA position 2247, G replaced by T.
Molecular consequence: splice donor variant.
Genome position (GRCh38, 1-based): chr6:156,935,577, G>T. VCF-style: chr6-156935577-G-T. GRCh37 (hg19) VCF-style: chr6-157256711-G-T.
Other names: c.2247+1G>T (NM_001438487.1, NM_001438485.1, NM_001438489.1 and 7 more transcripts); c.2286+1G>T (NM_001371656.1, NM_001374820.1).
Identifiers: ClinVar variation 4850268 (VCV004850268.1).

ClinVar aggregate classification (germline): Likely pathogenic (1 of 4 stars; one submission).

Conditions:
Coffin-Siris syndrome 1 (CSS1). Also called: ARID1B-Related Coffin-Siris Syndrome; Mental retardation, autosomal dominant 12. Identifiers: Orphanet 1465, MedGen C3281201, MONDO:0007617, OMIM 135900. Disease mechanism: gain of function.

Submission:

First Genomix Gene Laboratory, Genetic Diagnostics Department
Classification: Likely pathogenic for Coffin-Siris syndrome 1. Last evaluated: 2025-08-30. Review status: criteria provided, single submitter. Criteria: ACMG Guidelines, 2015. Collection method: clinical testing. Allele origin: germline. Inheritance: Autosomal recessive inheritance. Affected: yes. Observed: 1 variant allele.
Comment: Magnetic resonance imaging (MRI) results showed callosal hypogenesis and low-lying cerebellar tonsils and laboratory results showed microcytosis hypochromia.